The following is an entry in ClinVar:

NM_000338.3(SLC12A1):c.110A>G (p.Asp37Gly)

Gene: SLC12A1 (solute carrier family 12 member 1; plus strand). Cytogenetic location: 15q21.1.
Variant type: single nucleotide variant.
Coding change: c.110A>G on transcript NM_000338.3 (MANE Select); coding-DNA position 110, A replaced by G.
Protein change: p.Asp37Gly; replaces aspartic acid 37 with glycine.
Molecular consequence: missense variant.
Genome position (GRCh38, 1-based): chr15:48,207,829, A>G. VCF-style: chr15-48207829-A-G. GRCh37 (hg19) VCF-style: chr15-48500026-A-G.
Other names: c.110A>G, p.Asp37Gly (NM_001184832.2, NM_001384136.1); short protein forms D37G.
Identifiers: ClinVar variation 1495641 (VCV001495641.5), dbSNP rs774355538, ClinGen allele CA7546690.

ClinVar aggregate classification (germline): Uncertain significance (1 of 4 stars; one submission).

Allele frequency attached by ClinVar (database versions not stated): gnomAD exomes below 0.00001 and 0.00001; TOPMed below 0.00001; ExAC 0.00001; gnomAD 0.00001.
gnomAD v4.1: 12 of 1,613,886 alleles (0.00074%); highest among the groups gnomAD compares: South Asian, 0.0055%; no homozygotes.

Submission:

Labcorp Genetics (formerly Invitae), Labcorp
Classification: Uncertain significance. Last evaluated: 2026-01-14. Review status: criteria provided, single submitter. Criteria: Invitae Variant Classification Sherloc (09022015). Collection method: clinical testing. Allele origin: germline.
Comment: This sequence change replaces aspartic acid, which is acidic and polar, with glycine, which is neutral and non-polar, at codon 37 of the SLC12A1 protein (p.Asp37Gly). This variant is present in population databases (rs774355538, gnomAD 0.002%). This variant has not been reported in the literature in individuals affected with SLC12A1-related conditions. ClinVar contains an entry for this variant (Variation ID: 1495641). Invitae Evidence Modeling of protein sequence and biophysical properties (such as structural, functional, and spatial information, amino acid conservation, physicochemical variation, residue mobility, and thermodynamic stability) indicates that this missense variant is not expected to disrupt SLC12A1 protein function with a negative predictive value of 95%. In summary, the available evidence is currently insufficient to determine the role of this variant in disease. Therefore, it has been classified as a Variant of Uncertain Significance.